The following is an entry in ClinVar:

NM_006642.5(SDCCAG8):c.682C>G (p.Leu228Val)

Gene: SDCCAG8 (SHH signaling and ciliogenesis regulator SDCCAG8; plus strand). Cytogenetic location: 1q43.
Variant type: single nucleotide variant.
Coding change: c.682C>G on transcript NM_006642.5 (MANE Select); coding-DNA position 682, C replaced by G.
Protein change: p.Leu228Val; replaces leucine 228 with valine.
Molecular consequence: missense variant. On other transcripts: 5 prime UTR variant (3).
Genome position (GRCh38, 1-based): chr1:243,304,719, C>G. VCF-style: chr1-243304719-C-G. GRCh37 (hg19) VCF-style: chr1-243468021-C-G.
Other names: c.-431C>G (NM_001350246.2); c.-319C>G (NM_001350247.2); c.778C>G, p.Leu260Val (NM_001350248.2); c.388C>G, p.Leu130Val (NM_001350249.2); c.-596C>G (NM_001350251.2); c.682C>G (NM_006642.3); short protein forms L228V, L130V, L260V.
Identifiers: ClinVar variation 2057742 (VCV002057742.3), dbSNP rs768424996, ClinGen allele CA1483402.

ClinVar aggregate classification (germline): Uncertain significance. Review status: criteria provided, multiple submitters, no conflicts (2 of 4 stars). 2 submissions from 2 submitters: Uncertain significance (2). Last evaluated 2025-06-13.

Conditions:
SDCCAG8-related disorder. Also called: SDCCAG8-related condition; SDCCAG8-Related Disorders.
Bardet-Biedl syndrome 16 (BBS16). Identifiers: Orphanet 110, MedGen C3889474, MONDO:0014444, OMIM 615993.
Senior-Loken syndrome 7 (SLSN7). Identifiers: Orphanet 3156, MedGen C3150877, MONDO:0013326, OMIM 613615.

Allele frequency attached by ClinVar (database versions not stated): ExAC 0.00001; gnomAD 0.00001; TOPMed 0.00002.
gnomAD v4.1: 2 of 1,564,946 alleles (0.00013%); highest among the groups gnomAD compares: African/African-American, 0.0027%; no homozygotes.

Submissions (2):

PreventionGenetics, part of Exact Sciences
Classification: Uncertain significance for SDCCAG8-related condition. Last evaluated: 2025-06-13. Review status: criteria provided, single submitter. Criteria: ACMG Guidelines, 2015. Collection method: clinical testing. Allele origin: germline.
Comment: The SDCCAG8 c.682C>G variant is predicted to result in the amino acid substitution p.Leu228Val. To our knowledge, this variant has not been reported in the literature. This variant is reported in 0.0062% of alleles in individuals of African descent in gnomAD. At this time, the clinical significance of this variant is uncertain due to the absence of conclusive functional and genetic evidence.

Labcorp Genetics (formerly Invitae), Labcorp
Classification: Uncertain significance for Bardet-Biedl syndrome 16; Senior-Loken syndrome 7. Last evaluated: 2021-12-22. Review status: criteria provided, single submitter. Criteria: Invitae Variant Classification Sherloc (09022015). Collection method: clinical testing. Allele origin: germline.
Comment: In summary, the available evidence is currently insufficient to determine the role of this variant in disease. Therefore, it has been classified as a Variant of Uncertain Significance. Algorithms developed to predict the effect of sequence changes on RNA splicing suggest that this variant may create or strengthen a splice site. Algorithms developed to predict the effect of missense changes on protein structure and function are either unavailable or do not agree on the potential impact of this missense change (SIFT: "Tolerated"; PolyPhen-2: "Possibly Damaging"; Align-GVGD: "Class C0"). This variant has not been reported in the literature in individuals affected with SDCCAG8-related conditions. This variant is present in population databases (rs768424996, gnomAD 0.007%). This sequence change replaces leucine, which is neutral and non-polar, with valine, which is neutral and non-polar, at codon 228 of the SDCCAG8 protein (p.Leu228Val).